The following is an entry in ClinVar:

ClinVar aggregate classification (germline): Pathogenic. Review status: criteria provided, multiple submitters, no conflicts (2 of 4 stars). 2 submissions from 2 submitters: Pathogenic (2). Last evaluated 2025-04-02.

Conditions:
Hereditary angioedema type 1 (HAE1). Identifiers: Orphanet 100050, Orphanet 100051, Orphanet 91378, MedGen C2717906, MONDO:0015053, OMIM 106100.

Submissions (2):

3billion
Classification: Pathogenic for Hereditary angioedema type 1. Last evaluated: 2025-04-02. Review status: criteria provided, single submitter. Criteria: ACMG Guidelines, 2015. Collection method: clinical testing. Allele origin: germline. Affected: yes.
Comment: The variant is not observed in the gnomAD v4.1.0 dataset. Predicted Consequence/Location: Frameshift: predicted to result in a loss or disruption of normal protein function through nonsense-mediated decay (NMD) or protein truncation. Multiple pathogenic variants are reported downstream of the variant. The variant has been reported to be associated with SERPING1-related disorder (ClinVar ID: VCV000817621 / PMID: 15971231). Therefore, this variant is classified as Pathogenic according to the recommendation of ACMG/AMP guideline.

GeneDx
Classification: Pathogenic. Last evaluated: 2018-06-21. Review status: criteria provided, single submitter. Criteria: GeneDx Variant Classification (06012015). Collection method: clinical testing. Allele origin: germline. Affected: yes.
Comment: The c.164delT pathogenic variant in the SERPING1 gene has been observed apparently de novo in a patient with hereditary angioedema (Roche et al., 2005). The deletion causes a frameshift starting with codon Phenylalanine 55, changes this amino acid to a Serine residue and creates a premature Stop codon at position 24 of the new reading frame, denoted p.Phe55SerfsX24. This pathogenic variant is predicted to cause loss of normal protein function either through protein truncation or nonsense-mediated mRNA decay. The c.164delT variant is not observed in large population cohorts (Lek et al., 2016). We interpret c.164delT as a pathogenic variant.

Literature cited by the submitters: PubMed 15971231 (cited by 3billion).

NM_000062.3(SERPING1):c.164del (p.Phe55fs)

Gene: SERPING1 (serpin family G member 1; plus strand). Cytogenetic location: 11q12.1.
Variant type: Deletion.
Coding change: c.164del on transcript NM_000062.3 (MANE Select); coding-DNA position 164, one base deleted (T; older notation c.164delT).
Protein change: p.Phe55fs; shifts the reading frame from phenylalanine 55.
Molecular consequence: frameshift variant.
Genome position (GRCh38, 1-based): chr11:57,599,991, T deleted; the last of 2 consecutive T bases (chr11:57,599,990-57,599,991); deleting either gives the same sequence. VCF-style (leftmost placement, unchanged base first): chr11-57599989-AT-A. GRCh37 (hg19) VCF-style: chr11-57367462-AT-A.
Other names: c.164del, p.Phe55fs (NM_001032295.2); short protein forms F55fs.
Identifiers: ClinVar variation 817621 (VCV000817621.2), dbSNP rs1590822371, ClinGen allele CA915948101.
Genomic context (GRCh38, chr11:57,599,989, plus strand): 5'-AGAGAGTTTGCAAGACAGAGGCGAAGGGAAGGTCGCAACAACAGTTATCTCCAAGATGCT[AT>A]TCGTTGAACCCATCCTGGAGGTTTCCAGCTTGCCGACAACCAACTCAACAACCAATTCAG-3'